The following is an entry in ClinVar:

NM_001854.4(COL11A1):c.4813C>T (p.Arg1605Ter)

Gene: COL11A1 (collagen type XI alpha 1 chain; minus strand). Cytogenetic location: 1p21.1.
Variant type: single nucleotide variant.
Coding change: c.4813C>T on transcript NM_001854.4 (MANE Select); coding-DNA position 4813, C replaced by T.
Protein change: p.Arg1605Ter; replaces arginine 1605 with a stop codon.
Molecular consequence: nonsense. On other transcripts: non-coding transcript variant (1).
Genome position (GRCh38, 1-based): chr1:102,886,852, G>A on the plus strand (C>T on the coding strand, the complement: COL11A1 is on the minus strand). VCF-style: chr1-102886852-G-A. GRCh37 (hg19) VCF-style: chr1-103352408-G-A.
Other names: c.4465C>T, p.Arg1489Ter (NM_001168249.1, NM_080630.4); c.4696C>T, p.Arg1566Ter (NM_001190709.2); c.4849C>T, p.Arg1617Ter (NM_080629.3); short protein forms R1489*, R1566*, R1605*, R1617*.
Identifiers: ClinVar variation 2795835 (VCV002795835.3), dbSNP rs1162597563, ClinGen allele CA341211803.

ClinVar aggregate classification (germline): Pathogenic/Likely pathogenic. Review status: criteria provided, multiple submitters, no conflicts (2 of 4 stars). 2 submissions from 2 submitters: Pathogenic (1); Likely pathogenic (1). Last evaluated 2025-09-01.

Conditions:
Fibrochondrogenesis 1 (FBCG1). Identifiers: Orphanet 2021, MedGen C3278138, MONDO:0009226, OMIM 228520.

Allele frequency attached by ClinVar (database versions not stated): gnomAD 0.00001; gnomAD exomes 0.00001.
gnomAD v4.1: 4 of 1,613,708 alleles (0.00025%); highest among the groups gnomAD compares: African/African-American, 0.0053%; no homozygotes.

Submissions (2):

First Genomix Gene Laboratory, Genetic Diagnostics Department
Classification: Likely pathogenic for Fibrochondrogenesis 1. Last evaluated: 2025-09-01. Review status: criteria provided, single submitter. Criteria: ACMG Guidelines, 2015. Collection method: clinical testing. Allele origin: germline. Inheritance: Autosomal recessive inheritance. Affected: no. Observed: 1 variant allele.

Labcorp Genetics (formerly Invitae), Labcorp
Classification: Pathogenic. Last evaluated: 2023-08-04. Review status: criteria provided, single submitter. Criteria: Invitae Variant Classification Sherloc (09022015). Collection method: clinical testing. Allele origin: germline.
Comment: For these reasons, this variant has been classified as Pathogenic. This variant has not been reported in the literature in individuals affected with COL11A1-related conditions. This variant is present in population databases (no rsID available, gnomAD 0.007%). This sequence change creates a premature translational stop signal (p.Arg1605*) in the COL11A1 gene. It is expected to result in an absent or disrupted protein product. Loss-of-function variants in COL11A1 are known to be pathogenic (PMID: 20513134, 21035103, 23922384, 25240749, 32427345, 32756486).

Literature cited by the submitters: PubMed 20513134 (cited by Labcorp Genetics (formerly Invitae), Labcorp); PubMed 21035103 (cited by Labcorp Genetics (formerly Invitae), Labcorp); PubMed 23922384 (cited by Labcorp Genetics (formerly Invitae), Labcorp); PubMed 25240749 (cited by Labcorp Genetics (formerly Invitae), Labcorp); PubMed 32427345 (cited by Labcorp Genetics (formerly Invitae), Labcorp); PubMed 32756486 (cited by Labcorp Genetics (formerly Invitae), Labcorp).